The following is an entry in ClinVar:

ClinVar aggregate classification (germline): Likely benign. Review status: criteria provided, multiple submitters, no conflicts (2 of 4 stars). 2 submissions from 2 submitters: Likely benign (2). Last evaluated 2024-08-19.

Conditions:
Cardiovascular phenotype. Identifiers: MedGen CN230736.
Long QT syndrome (LQTS). Identifiers: MedGen C0023976, MeSH D008133, MONDO:0002442. Disease mechanism: loss of function. Inheritance: Various modes of inheritance.

Allele frequency attached by ClinVar (database versions not stated): TOPMed below 0.00001; gnomAD 0.00001.

Submissions (2):

Ambry Genetics
Classification: Likely benign for Cardiovascular phenotype. Last evaluated: 2024-08-19. Review status: criteria provided, single submitter. Criteria: Ambry Variant Classification Scheme 2023. Collection method: clinical testing. Allele origin: germline.

All of Us Research Program, National Institutes of Health
Classification: Likely benign for Long QT syndrome. Last evaluated: 2023-10-23. Review status: criteria provided, single submitter. Criteria: ACMG Guidelines, 2015. Collection method: clinical testing. Allele origin: germline. Inheritance: Autosomal dominant inheritance. Observed: 1 variant allele, 1 heterozygote.
Comment: This study involves interpretation of variants in research participants for the purpose of population health screening. Participant phenotype was not available at the time of variant classification. Additional details can be found in publication PMID: 35346344, PMCID: PMC8962531

NM_000238.4(KCNH2):c.1917C>A (p.Ile639=)

Gene: KCNH2 (potassium voltage-gated channel subfamily H member 2; minus strand). Cytogenetic location: 7q36.1.
Variant type: single nucleotide variant.
Coding change: c.1917C>A on transcript NM_000238.4 (MANE Select); coding-DNA position 1917, C replaced by A.
Protein change: p.Ile639=; no amino-acid change (isoleucine 639 retained).
Molecular consequence: synonymous variant. On other transcripts: non-coding transcript variant (2).
Genome position (GRCh38, 1-based): chr7:150,951,476, G>T on the plus strand (C>A on the coding strand, the complement: KCNH2 is on the minus strand). VCF-style: chr7-150951476-G-T. GRCh37 (hg19) VCF-style: chr7-150648564-G-T.
Other names: c.897C>A, p.Ile299= (NM_001204798.2, NM_172057.3); c.1629C>A, p.Ile543= (NM_001406753.1, NM_001406756.1); c.1740C>A, p.Ile580= (NM_001406755.1); c.1617C>A, p.Ile539= (NM_001406757.1); c.1917C>A, p.Ile639= (NM_172056.3).
Identifiers: ClinVar variation 3074159 (VCV003074159.2), dbSNP rs1348662178, ClinGen allele CA458871460.